The following is an entry in ClinVar:

ClinVar aggregate classification (germline): Uncertain significance. Review status: criteria provided, multiple submitters, no conflicts (2 of 4 stars). 2 submissions from 2 submitters: Uncertain significance (2). Last evaluated 2025-01-26.

Conditions:
Fanconi anemia (FA). Also called: Fanconi's anemia. Identifiers: Orphanet 84, MedGen C0015625, MeSH D005199, MONDO:0019391.
Inborn genetic diseases. Identifiers: MedGen C0950123, MeSH D030342.

Allele frequency attached by ClinVar (database versions not stated): gnomAD exomes below 0.00001 and 0.00001; TOPMed 0.00001.
gnomAD v4.1: 15 of 1,614,244 alleles (0.00093%); highest among the groups gnomAD compares: Non-Finnish European, 0.0013%; no homozygotes.

Submissions (2):

Ambry Genetics
Classification: Uncertain significance for Inborn genetic diseases. Last evaluated: 2025-01-26. Review status: criteria provided, single submitter. Criteria: Ambry Variant Classification Scheme 2023. Collection method: clinical testing. Allele origin: germline.
Comment: The p.S230R variant (also known as c.690C>A), located in coding exon 6 of the FANCG gene, results from a C to A substitution at nucleotide position 690. The serine at codon 230 is replaced by arginine, an amino acid with dissimilar properties. This amino acid position is conserved. In addition, this alteration is predicted to be tolerated by in silico analysis. Based on the available evidence, the clinical significance of this variant remains unclear.

Labcorp Genetics (formerly Invitae), Labcorp
Classification: Uncertain significance for Fanconi anemia. Last evaluated: 2021-08-31. Review status: criteria provided, single submitter. Criteria: Invitae Variant Classification Sherloc (09022015). Collection method: clinical testing. Allele origin: germline.
Comment: This sequence change replaces serine with arginine at codon 230 of the FANCG protein (p.Ser230Arg). The serine residue is moderately conserved and there is a moderate physicochemical difference between serine and arginine. This variant is not present in population databases (ExAC no frequency). This variant has not been reported in the literature in individuals affected with FANCG-related conditions. Algorithms developed to predict the effect of missense changes on protein structure and function are either unavailable or do not agree on the potential impact of this missense change (SIFT: "Tolerated"; PolyPhen-2: "Possibly Damaging"; Align-GVGD: "Class C0"). In summary, the available evidence is currently insufficient to determine the role of this variant in disease. Therefore, it has been classified as a Variant of Uncertain Significance.

NM_004629.2(FANCG):c.690C>A (p.Ser230Arg)

Gene: FANCG (FA complementation group G; minus strand). Cytogenetic location: 9p13.3.
Variant type: single nucleotide variant.
Coding change: c.690C>A on transcript NM_004629.2 (MANE Select); coding-DNA position 690, C replaced by A.
Protein change: p.Ser230Arg; replaces serine 230 with arginine.
Molecular consequence: missense variant.
Genome position (GRCh38, 1-based): chr9:35,077,058, G>T on the plus strand (C>A on the coding strand, the complement: FANCG is on the minus strand). VCF-style: chr9-35077058-G-T. GRCh37 (hg19) VCF-style: chr9-35077055-G-T.
Other names: c.690C>A (NM_004629.1); short protein forms S230R.
Identifiers: ClinVar variation 1389836 (VCV001389836.6), dbSNP rs1333976481, ClinGen allele CA373313663.